The following is an entry in ClinVar:

NM_001148.6(ANK2):c.9673C>T (p.Leu3225Phe)

Gene: ANK2 (ankyrin 2; plus strand). Cytogenetic location: 4q26.
Variant type: single nucleotide variant.
Coding change: c.9673C>T on transcript NM_001148.6 (MANE Select); coding-DNA position 9673, C replaced by T.
Protein change: p.Leu3225Phe; replaces leucine 3225 with phenylalanine.
Molecular consequence: missense variant. On other transcripts: intron variant (68).
Genome position (GRCh38, 1-based): chr4:113,358,291, C>T. VCF-style: chr4-113358291-C-T. GRCh37 (hg19) VCF-style: chr4-114279447-C-T.
Other names: c.9439C>T, p.Leu3147Phe (NM_001386142.1); c.6073C>T, p.Leu2025Phe (NM_001386166.1); c.9814C>T, p.Leu3272Phe (NM_001386174.1); c.9790C>T, p.Leu3264Phe (NM_001386175.1); c.4412-2532C>T (NM_001386186.2, NM_001386148.2); c.4214-2532C>T (NM_001354269.3); c.4292-2532C>T (NM_001386187.2); c.4253-2532C>T (NM_001386147.1); and 35 more; short protein forms L2025F, L3147F, L3225F, L3264F, L3272F.
Identifiers: ClinVar variation 3616915 (VCV003616915.2).
Genomic context (GRCh38, chr4:113,358,291, plus strand): 5'-GGGATTTCAGCCTCCACTGAAACACCTACAAAAGAAGCTGTTAGTGTAGGGACCAAGGAC[C>T]TCCCCACCGTGCAAACGGGTGATATACCTCCTCTCTCTGGTGTAAAGCAGATATCCTGCC-3'
Protein context (NP_001139.3, residues 3215-3235): KEAVSVGTKD[Leu3225Phe]PTVQTGDIPP

ClinVar aggregate classification (germline): Uncertain significance (1 of 4 stars; one submission).

Conditions:
Long QT syndrome (LQTS). Identifiers: MedGen C0023976, MeSH D008133, MONDO:0002442. Disease mechanism: loss of function. Inheritance: Various modes of inheritance.

Submission:

Labcorp Genetics (formerly Invitae), Labcorp
Classification: Uncertain significance for Long QT syndrome. Last evaluated: 2024-07-06. Review status: criteria provided, single submitter. Criteria: Invitae Variant Classification Sherloc (09022015). Collection method: clinical testing. Allele origin: germline.
Comment: This sequence change replaces leucine, which is neutral and non-polar, with phenylalanine, which is neutral and non-polar, at codon 3225 of the ANK2 protein (p.Leu3225Phe). This variant is not present in population databases (gnomAD no frequency). This variant has not been reported in the literature in individuals affected with ANK2-related conditions. Algorithms developed to predict the effect of missense changes on protein structure and function output the following: SIFT: "Not Available"; PolyPhen-2: "Benign"; Align-GVGD: "Not Available". The phenylalanine amino acid residue is found in multiple mammalian species, which suggests that this missense change does not adversely affect protein function. In summary, the available evidence is currently insufficient to determine the role of this variant in disease. Therefore, it has been classified as a Variant of Uncertain Significance.